The following is an entry in ClinVar:

ClinVar aggregate classification (germline): Uncertain significance. Review status: criteria provided, multiple submitters, no conflicts (2 of 4 stars). 3 submissions from 3 submitters: Uncertain significance (3). Last evaluated 2025-11-10.

Conditions:
Postaxial polydactyly-anterior pituitary anomalies-facial dysmorphism syndrome. Also called: Culler-Jones syndrome. Identifiers: Orphanet 420584, MedGen C4014479, MONDO:0014369, OMIM 615849.
Holoprosencephaly 9 (HPE9). Also called: HOLOPROSENCEPHALY WITH MICROPHTHALMIA AND FIRST BRANCHIAL ARCH ANOMALIES; PITUITARY ANOMALIES WITH HOLOPROSENCEPHALY-LIKE FEATURES. Identifiers: Orphanet 2162, MedGen C1835819, MONDO:0012563, OMIM 610829.

Allele frequency attached by ClinVar (database versions not stated): ExAC 0.00004; TOPMed 0.00004; gnomAD exomes 0.00005; gnomAD 0.00006; ESP Exome Variant Server 0.00015.
gnomAD v4.1: 76 of 1,613,280 alleles (0.0047%); highest among the groups gnomAD compares: Non-Finnish European, 0.0056%; no homozygotes.

Submissions (3):

Women's Health and Genetics/Laboratory Corporation of America, LabCorp
Classification: Uncertain significance. Last evaluated: 2025-11-10. Review status: criteria provided, single submitter. Criteria: LabCorp Variant Classification Summary - May 2015. Collection method: clinical testing. Allele origin: germline.
Comment: Variant summary: GLI2 c.671C>T (p.Thr224Met) results in a non-conservative amino acid change in the encoded protein sequence. Algorithms developed to predict the effect of missense changes on protein structure and function are either unavailable or do not agree on the potential impact of this missense change. The variant allele was found at a frequency of 4.8e-05 in 250788 control chromosomes. This frequency is not significantly higher than estimated for disease-causing variants in GLI2, allowing no conclusion about variant significance. c.671C>T has been observed in at least one individual with holoprosencephaly, without strong evidence of causality (example: Roessler_2018). This report does not provide unequivocal conclusions about association of the variant with GLI2-Related Disorders. To our knowledge, no experimental evidence demonstrating an impact on protein function has been reported. The following publication has been ascertained in the context of this evaluation (PMID: 29992659). ClinVar contains an entry for this variant (Variation ID: 894600). Based on the evidence outlined above, the variant was classified as uncertain significance.

Labcorp Genetics (formerly Invitae), Labcorp
Classification: Uncertain significance for Postaxial polydactyly-anterior pituitary anomalies-facial dysmorphism syndrome; Holoprosencephaly 9. Last evaluated: 2024-05-10. Review status: criteria provided, single submitter. Criteria: Invitae Variant Classification Sherloc (09022015). Collection method: clinical testing. Allele origin: germline.
Comment: This sequence change replaces threonine, which is neutral and polar, with methionine, which is neutral and non-polar, at codon 224 of the GLI2 protein (p.Thr224Met). This variant is present in population databases (rs370333257, gnomAD 0.009%). This variant has not been reported in the literature in individuals affected with GLI2-related conditions. ClinVar contains an entry for this variant (Variation ID: 894600). Advanced modeling of protein sequence and biophysical properties (such as structural, functional, and spatial information, amino acid conservation, physicochemical variation, residue mobility, and thermodynamic stability) performed at Invitae indicates that this missense variant is not expected to disrupt GLI2 protein function with a negative predictive value of 80%. In summary, the available evidence is currently insufficient to determine the role of this variant in disease. Therefore, it has been classified as a Variant of Uncertain Significance.

Illumina Laboratory Services, Illumina
Classification: Uncertain significance for Holoprosencephaly 9. Last evaluated: 2018-01-12. Review status: criteria provided, single submitter. Criteria: ICSL Variant Classification Criteria 13 December 2019. Collection method: clinical testing. Allele origin: germline.

Literature cited by the submitters: PubMed 29992659 (cited by Women's Health and Genetics/Laboratory Corporation of America, LabCorp).

NM_001374353.1(GLI2):c.671C>T (p.Thr224Met)

Gene: GLI2 (GLI family zinc finger 2; plus strand). Cytogenetic location: 2q14.2.
Variant type: single nucleotide variant.
Coding change: c.671C>T on transcript NM_001374353.1 (MANE Select); coding-DNA position 671, C replaced by T.
Protein change: p.Thr224Met; replaces threonine 224 with methionine.
Molecular consequence: missense variant.
Genome position (GRCh38, 1-based): chr2:120,968,741, C>T. VCF-style: chr2-120968741-C-T. GRCh37 (hg19) VCF-style: chr2-121726317-C-T.
Other names: c.671C>T, p.Thr224Met (NM_001371271.1, NM_005270.5); c.296C>T, p.Thr99Met (NM_001374354.1); short protein forms T224M, T99M.
Identifiers: ClinVar variation 894600 (VCV000894600.8), dbSNP rs370333257, ClinGen allele CA1851627.